The following is an entry in ClinVar:

NM_018060.4(IARS2):c.314_318del (p.Val105fs)

Gene: IARS2 (isoleucyl-tRNA synthetase 2, mitochondrial; plus strand). Cytogenetic location: 1q41.
Variant type: Deletion.
Coding change: c.314_318del on transcript NM_018060.4 (MANE Select); coding-DNA positions 314 to 318, 5 bases deleted (TAAAG; older notation c.314_318delTAAAG).
Protein change: p.Val105fs; shifts the reading frame from valine 105.
Molecular consequence: frameshift variant.
Genome position (GRCh38, 1-based): chr1:220,096,150-220,096,154, TAAAG deleted; deleting any 5 consecutive bases within chr1:220,096,146-220,096,154 gives the same sequence; the c. name uses the placement nearest the transcript's 3' end. VCF-style (leftmost placement, unchanged base first): chr1-220096145-AAAAGT-A. GRCh37 (hg19) VCF-style: chr1-220269487-AAAAGT-A.
Other names: short protein forms V105fs.
Identifiers: ClinVar variation 2158656 (VCV002158656.3), dbSNP rs1298348124, ClinGen allele CA529060311.

ClinVar aggregate classification (germline): Pathogenic (1 of 4 stars; one submission).

Submission:

Labcorp Genetics (formerly Invitae), Labcorp
Classification: Pathogenic. Last evaluated: 2024-12-13. Review status: criteria provided, single submitter. Criteria: Invitae Variant Classification Sherloc (09022015). Collection method: clinical testing. Allele origin: germline.
Comment: This sequence change creates a premature translational stop signal (p.Val105Aspfs*7) in the IARS2 gene. It is expected to result in an absent or disrupted protein product. Loss-of-function variants in IARS2 are known to be pathogenic (PMID: 33327715). This variant is not present in population databases (gnomAD no frequency). This premature translational stop signal has been observed in individual(s) with clinical features of Leigh syndrome (PMID: 32020600). ClinVar contains an entry for this variant (Variation ID: 2158656). For these reasons, this variant has been classified as Pathogenic.

Literature cited by the submitters: PubMed 33327715; PubMed 32020600.